The following is an entry in ClinVar:

ClinVar aggregate classification (germline): Uncertain significance (1 of 4 stars; one submission).

Conditions:
Arrhythmogenic cardiomyopathy with wooly hair and keratoderma. Also called: PALMOPLANTAR KERATODERMA WITH LEFT VENTRICULAR CARDIOMYOPATHY AND WOOLLY HAIR; Carvajal syndrome; Dilated cardiomyopathy with woolly hair and keratoderma; Arrhythmogenic cardiomyopathy with woolly hair and keratoderma. Identifiers: Orphanet 65282, MedGen C1854063, MONDO:0011581, OMIM 605676.

Submission:

All of Us Research Program, National Institutes of Health
Classification: Uncertain significance for Arrhythmogenic cardiomyopathy with wooly hair and keratoderma. Last evaluated: 2023-06-26. Review status: criteria provided, single submitter. Criteria: ACMG Guidelines, 2015. Collection method: clinical testing. Allele origin: germline. Inheritance: Autosomal dominant inheritance. Observed: 1 variant allele, 1 heterozygote.
Comment: This missense variant replaces glutamine with glutamic acid at codon 1300 of the DSP protein. Computational prediction suggests that this variant may not impact protein structure and function (internally defined REVEL score threshold <= 0.5, PMID: 27666373). To our knowledge, functional studies have not been reported for this variant. This variant has not been reported in individuals affected with DSP-related disorders in the literature. This variant has not been identified in the general population by the Genome Aggregation Database (gnomAD). The available evidence is insufficient to determine the role of this variant in disease conclusively. Therefore, this variant is classified as a Variant of Uncertain Significance.

This study involves interpretation of variants in research participants for the purpose of population health screening. Participant phenotype was not available at the time of variant classification. Additional details can be found in publication PMID: 35346344, PMCID: PMC8962531

NM_004415.4(DSP):c.3898C>G (p.Gln1300Glu)

Gene: DSP (desmoplakin; plus strand). Cytogenetic location: 6p24.3.
Variant type: single nucleotide variant.
Coding change: c.3898C>G on transcript NM_004415.4 (MANE Select); coding-DNA position 3898, C replaced by G.
Protein change: p.Gln1300Glu; replaces glutamine 1300 with glutamic acid.
Molecular consequence: missense variant. On other transcripts: intron variant (1).
Genome position (GRCh38, 1-based): chr6:7,580,088, C>G. VCF-style: chr6-7580088-C-G. GRCh37 (hg19) VCF-style: chr6-7580321-C-G.
Other names: c.3898C>G, p.Gln1300Glu (NM_001319034.2); c.3582+316C>G (NM_001008844.3); short protein forms Q1300E.
Identifiers: ClinVar variation 3072017 (VCV003072017.1), dbSNP rs2533926517, ClinGen allele CA362685098.